The following is an entry in ClinVar:

ClinVar aggregate classification (germline): Uncertain significance (1 of 4 stars; one submission).

Submission:

Mayo Clinic Laboratories, Mayo Clinic
Classification: Uncertain significance. Last evaluated: 2024-02-12. Review status: criteria provided, single submitter. Criteria: ACMG Guidelines, 2015. Collection method: clinical testing. Allele origin: germline. Observed: 1 variant allele.
Comment: BP4, PM2

NM_002618.4(PEX13):c.1072C>G (p.Pro358Ala)

Gene: PEX13 (peroxisomal biogenesis factor 13; plus strand). Cytogenetic location: 2p15.
Variant type: single nucleotide variant.
Coding change: c.1072C>G on transcript NM_002618.4 (MANE Select); coding-DNA position 1072, C replaced by G.
Protein change: p.Pro358Ala; replaces proline 358 with alanine.
Molecular consequence: missense variant.
Genome position (GRCh38, 1-based): chr2:61,048,630, C>G. VCF-style: chr2-61048630-C-G. GRCh37 (hg19) VCF-style: chr2-61275765-C-G.
Other names: p.Pro358Ala; short protein forms P358A.
Identifiers: ClinVar variation 3380819 (VCV003380819.1).